The following is an entry in ClinVar:

ClinVar aggregate classification (germline): Uncertain significance (1 of 4 stars; one submission).

Conditions:
Hereditary cancer-predisposing syndrome. Also called: Neoplastic Syndromes, Hereditary; Tumor predisposition; Hereditary Cancer Syndrome; Hereditary neoplastic syndrome. Identifiers: Orphanet 140162, MedGen C0027672, MeSH D009386, MONDO:0015356.

Submission:

Ambry Genetics
Classification: Uncertain significance for Hereditary cancer-predisposing syndrome. Last evaluated: 2026-05-23. Review status: criteria provided, single submitter. Criteria: Ambry Variant Classification Scheme 2023. Collection method: clinical testing. Allele origin: germline.
Comment: The p.V2809G variant (also known as c.8426T>G), located in coding exon 15 of the APC gene, results from a T to G substitution at nucleotide position 8426. The valine at codon 2809 is replaced by glycine, an amino acid with dissimilar properties. This amino acid position is conserved. In addition, in silico predictors for this gene do not accurately predict pathogenicity. Based on the available evidence, the clinical significance of this variant remains unclear.

NM_000038.6(APC):c.8426T>G (p.Val2809Gly)

Gene: APC (APC regulator of Wnt signaling pathway; plus strand). Cytogenetic location: 5q22.2.
Variant type: single nucleotide variant.
Coding change: c.8426T>G on transcript NM_000038.6 (MANE Select); coding-DNA position 8426, T replaced by G.
Protein change: p.Val2809Gly; replaces valine 2809 with glycine.
Molecular consequence: missense variant. On other transcripts: non-coding transcript variant (2).
Genome position (GRCh38, 1-based): chr5:112,844,020, T>G. VCF-style: chr5-112844020-T-G. GRCh37 (hg19) VCF-style: chr5-112179717-T-G.
Other names: c.8426T>G, p.Val2809Gly (NM_001127510.3, NM_001354895.2, NM_001407450.1); c.8372T>G, p.Val2791Gly (NM_001127511.3); c.8480T>G, p.Val2827Gly (NM_001354896.2, NM_001407447.1, NM_001407448.1 and 1 more transcripts); c.8456T>G, p.Val2819Gly (NM_001354897.2); c.8351T>G, p.Val2784Gly (NM_001354898.2); c.8342T>G, p.Val2781Gly (NM_001354899.2); c.8303T>G, p.Val2768Gly (NM_001354900.2); c.8249T>G, p.Val2750Gly (NM_001354901.2, NM_001407453.1); and 11 more; short protein forms V2425G, V2526G, V2649G, V2680G, V2683G, V2708G, V2718G, V2726G.
Identifiers: ClinVar variation 4861821 (VCV004861821.1).